The following is an entry in ClinVar:

NM_001009999.3(KDM1A):c.566G>T (p.Gly189Val)

Gene: KDM1A (lysine demethylase 1A; plus strand). Cytogenetic location: 1p36.12.
Variant type: single nucleotide variant.
Coding change: c.566G>T on transcript NM_001009999.3 (MANE Select); coding-DNA position 566, G replaced by T.
Protein change: p.Gly189Val; replaces glycine 189 with valine.
Molecular consequence: missense variant. On other transcripts: intron variant (3).
Genome position (GRCh38, 1-based): chr1:23,044,475, G>T. VCF-style: chr1-23044475-G-T. GRCh37 (hg19) VCF-style: chr1-23370968-G-T.
Other names: c.566G>T, p.Gly189Val (NM_001410762.1); c.518-5912G>T (NM_001363654.2, NM_001410763.1, NM_015013.4); short protein forms G189V.
Identifiers: ClinVar variation 4042135 (VCV004042135.1).

ClinVar aggregate classification (germline): Uncertain significance (1 of 4 stars; one submission).

Conditions:
Inborn genetic diseases. Identifiers: MedGen C0950123, MeSH D030342.

Submission:

Ambry Genetics
Classification: Uncertain significance for Inborn genetic diseases. Last evaluated: 2025-05-15. Review status: criteria provided, single submitter. Criteria: Ambry Variant Classification Scheme 2023. Collection method: clinical testing. Allele origin: germline.
Comment: The p.G189V variant (also known as c.566G>T), located in coding exon 3 of the KDM1A gene, results from a G to T substitution at nucleotide position 566. The glycine at codon 189 is replaced by valine, an amino acid with dissimilar properties. This amino acid position is conserved. In addition, this alteration is predicted to be tolerated by in silico analysis. Based on the available evidence, the clinical significance of this variant remains unclear.